The following is an entry in ClinVar:

ClinVar aggregate classification (germline): Uncertain significance (1 of 4 stars; one submission).

Conditions:
CHARGE syndrome (CHARGE). Also called: Hittner Hirsch Kreh syndrome; CHARGE ASSOCIATION--COLOBOMA, HEART ANOMALY, CHOANAL ATRESIA, RETARDATION, GENITAL AND EAR ANOMALIES; Coloboma, heart anomaly, choanal atresia, retardation, genital and ear anomalies; CHARGE association; Hall-Hittner syndrome. Identifiers: Orphanet 138, MedGen C0265354, MONDO:0008965.

Submission:

Labcorp Genetics (formerly Invitae), Labcorp
Classification: Uncertain significance for CHARGE syndrome. Last evaluated: 2024-04-15. Review status: criteria provided, single submitter. Criteria: Invitae Variant Classification Sherloc (09022015). Collection method: clinical testing. Allele origin: germline.
Comment: This sequence change replaces alanine, which is neutral and non-polar, with aspartic acid, which is acidic and polar, at codon 158 of the CHD7 protein (p.Ala158Asp). This variant is not present in population databases (gnomAD no frequency). This variant has not been reported in the literature in individuals affected with CHD7-related conditions. Advanced modeling of protein sequence and biophysical properties (such as structural, functional, and spatial information, amino acid conservation, physicochemical variation, residue mobility, and thermodynamic stability) performed at Invitae indicates that this missense variant is not expected to disrupt CHD7 protein function with a negative predictive value of 95%. In summary, the available evidence is currently insufficient to determine the role of this variant in disease. Therefore, it has been classified as a Variant of Uncertain Significance.

NM_017780.4(CHD7):c.473C>A (p.Ala158Asp)

Gene: CHD7 (chromodomain helicase DNA binding protein 7; plus strand). Cytogenetic location: 8q12.2.
Variant type: single nucleotide variant.
Coding change: c.473C>A on transcript NM_017780.4 (MANE Select); coding-DNA position 473, C replaced by A.
Protein change: p.Ala158Asp; replaces alanine 158 with aspartic acid.
Molecular consequence: missense variant.
Genome position (GRCh38, 1-based): chr8:60,741,905, C>A. VCF-style: chr8-60741905-C-A. GRCh37 (hg19) VCF-style: chr8-61654464-C-A.
Other names: c.473C>A, p.Ala158Asp (NM_001316690.1); short protein forms A158D.
Identifiers: ClinVar variation 2708743 (VCV002708743.3), dbSNP rs2487263953, ClinGen allele CA371297503.